The following is an entry in ClinVar:

NM_001369.3(DNAH5):c.882_884delinsGTCTCTTATACACATCTGTGAT (p.Lys296fs)

Gene: DNAH5 (dynein axonemal heavy chain 5; minus strand). Cytogenetic location: 5p15.2.
Variant type: Indel.
Coding change: c.882_884delinsGTCTCTTATACACATCTGTGAT on transcript NM_001369.3 (MANE Select); coding-DNA positions 882 to 884, CTC replaced by GTCTCTTATACACATCTGTGAT.
Protein change: p.Lys296fs; shifts the reading frame from lysine 296.
Molecular consequence: frameshift variant.
Genome position (GRCh38, 1-based): chr5:13,919,267-13,919,269, GAG replaced by ATCACAGATGTGTATAAGAGAC on the plus strand (CTC replaced by GTCTCTTATACACATCTGTGAT on the coding strand, the reverse complement: DNAH5 is on the minus strand). VCF-style: chr5-13919267-GAG-ATCACAGATGTGTATAAGAGAC. GRCh37 (hg19) VCF-style: chr5-13919376-GAG-ATCACAGATGTGTATAAGAGAC.
Other names: short protein forms K296fs.
Identifiers: ClinVar variation 5016197 (VCV005016197.1).

ClinVar aggregate classification (germline): Pathogenic (1 of 4 stars; one submission).

Conditions:
Primary ciliary dyskinesia 3. Identifiers: Orphanet 244, MedGen C1837618, MONDO:0012085, OMIM 608644.

Submission:

Myriad Genetics, Inc.
Classification: Pathogenic for Primary ciliary dyskinesia 3. Last evaluated: 2024-05-14. Review status: criteria provided, single submitter. Criteria: Myriad Autosomal Dominant, Autosomal Recessive and X-Linked Classification Criteria (2023). Collection method: clinical testing. Allele origin: unknown.
Comment: NM_001369.2(DNAH5):c.882_884del3ins22(K296Lfs*9) is expected to be pathogenic in the context of primary ciliary dyskinesia, DNAH5-related. This variant is predicted to lead to an abnormal or absent protein product due to the creation of a premature termination codon in DNAH5, a gene where loss-of-function variants are known to be pathogenic. Please note: this variant was assessed in the context of healthy population screening.